The following is an entry in ClinVar:

NM_000051.4(ATM):c.7515+9T>A

Genes: ATM (ATM serine/threonine kinase; plus strand), C11orf65 (chromosome 11 open reading frame 65; minus strand). Cytogenetic location: 11q22.3.
Variant type: single nucleotide variant.
Coding change: c.7515+9T>A on transcript NM_000051.4 (MANE Select); 9 bases into the intron after coding-DNA position 7515, T replaced by A.
Molecular consequence: intron variant.
Genome position (GRCh38, 1-based): chr11:108,330,430, T>A. VCF-style: chr11-108330430-T-A. GRCh37 (hg19) VCF-style: chr11-108201157-T-A.
Other names: c.7515+9T>A (NM_001351834.2); c.641-21359A>T (NM_001330368.2); c.*38+4790A>T (NM_001351110.2).
Identifiers: ClinVar variation 761405 (VCV000761405.10), dbSNP rs1465593444, ClinGen allele CA602132821.

ClinVar aggregate classification (germline): Likely benign. Review status: criteria provided, multiple submitters, no conflicts (2 of 4 stars). 2 submissions from 2 submitters: Likely benign (2). Last evaluated 2024-07-20.

Conditions:
Familial cancer of breast. Also called: Hereditary breast cancer; BREAST CANCER, FAMILIAL; hereditary breast carcinoma. Identifiers: Orphanet 227535, MedGen C0346153, MONDO:0016419, OMIM 114480. Disease mechanism: loss of function.
Ataxia-telangiectasia syndrome (AT). Also called: Ataxia-telangiectasia, complementation group D; AT, COMPLEMENTATION GROUP C; ATAXIA-TELANGIECTASIA, COMPLEMENTATION GROUP A; ATAXIA-TELANGIECTASIA, FRESNO VARIANT; Ataxia-telangiectasia; LOUIS-BAR SYNDROME. Identifiers: Orphanet 100, MedGen C0004135, MONDO:0008840, OMIM 208900.

Submissions (2):

Labcorp Genetics (formerly Invitae), Labcorp
Classification: Likely benign for Ataxia-telangiectasia syndrome. Last evaluated: 2024-07-20. Review status: criteria provided, single submitter. Criteria: Invitae Variant Classification Sherloc (09022015). Collection method: clinical testing. Allele origin: germline.

Myriad Genetics, Inc.
Classification: Likely benign for Familial cancer of breast. Last evaluated: 2024-06-14. Review status: criteria provided, single submitter. Criteria: Myriad Autosomal Dominant, Autosomal Recessive and X-Linked Classification Criteria (2023). Collection method: clinical testing. Allele origin: unknown.
Comment: This variant is considered likely benign. This variant is intronic and is not expected to impact mRNA splicing.